The following is an entry in ClinVar:

ClinVar aggregate classification (germline): Likely benign (1 of 4 stars; one submission).

Conditions:
PKD1-related disorder. Also called: PKD1-related condition.

Submission:

PreventionGenetics, part of Exact Sciences
Classification: Likely benign for PKD1-related condition. Last evaluated: 2026-09-10. Review status: criteria provided, single submitter. Criteria: ACMG Guidelines, 2015. Collection method: clinical testing. Allele origin: germline.
Comment: This variant is classified as likely benign based on ACMG/AMP sequence variant interpretation guidelines (Richards et al. 2015 PMID: 25741868, with internal and published modifications).

NM_001009944.3(PKD1):c.12877C>A (p.Arg4293=)

Gene: PKD1 (polycystin 1, transient receptor potential channel interacting; minus strand). Cytogenetic location: 16p13.3.
Variant type: single nucleotide variant.
Coding change: c.12877C>A on transcript NM_001009944.3 (MANE Select); coding-DNA position 12877, C replaced by A.
Protein change: p.Arg4293=; no amino-acid change (arginine 4293 retained).
Molecular consequence: synonymous variant.
Genome position (GRCh38, 1-based): chr16:2,089,762, G>T on the plus strand (C>A on the coding strand, the complement: PKD1 is on the minus strand). VCF-style: chr16-2089762-G-T. GRCh37 (hg19) VCF-style: chr16-2139763-G-T.
Other names: c.12874C>A, p.Arg4292= (NM_000296.4).
Identifiers: ClinVar variation 4990569 (VCV004990569.1).
Genomic context (GRCh38, chr16:2,089,762, plus strand): 5'-GGCCCACCCCCGCCAGGAAGGAGGACTAAGTGCTGCTGGGGTGGACCTTGTTCTTGGCCC[G>T]AAGGGGTGTCCTGCTGGGGCCAGTGGCCAGGTCCACACCCCGACTGGCCCGGGCAAGGCG-3'
Protein context (NP_001009944.3, residues 4283-4303): LATGPSRTPL[Arg4293=]AKNKVHPSST